The following is an entry in ClinVar:

ClinVar aggregate classification (germline): Likely benign (1 of 4 stars; one submission).

gnomAD v4.1: 87 of 1,614,040 alleles (0.0054%); highest among the groups gnomAD compares: Non-Finnish European, 0.0069%; no homozygotes.

Submission:

CeGaT Center for Human Genetics Tuebingen
Classification: Likely benign. Last evaluated: 2024-07-01. Review status: criteria provided, single submitter. Criteria: CeGaT Center For Human Genetics Tuebingen Variant Classification Criteria Version 2. Collection method: clinical testing. Allele origin: germline. Affected: yes. Observed: 1 variant allele.
Comment: ZNF462: BP4, BP7

NM_021224.6(ZNF462):c.2196C>T (p.Val732=)

Gene: ZNF462 (zinc finger protein 462; plus strand). Cytogenetic location: 9q31.2.
Variant type: single nucleotide variant.
Coding change: c.2196C>T on transcript NM_021224.6 (MANE Select); coding-DNA position 2196, C replaced by T.
Protein change: p.Val732=; no amino-acid change (valine 732 retained).
Molecular consequence: synonymous variant.
Genome position (GRCh38, 1-based): chr9:106,926,108, C>T. VCF-style: chr9-106926108-C-T. GRCh37 (hg19) VCF-style: chr9-109688389-C-T.
Other names: c.2196C>T, p.Val732= (NM_001347997.2).
Identifiers: ClinVar variation 3257115 (VCV003257115.17).
Genomic context (GRCh38, chr9:106,926,108, plus strand): 5'-GCAGGAAGATGCAGTGATCAATGTTGAGGATGATGAAGAGGAAGAGGAAGACAACGAAGT[C>T]GAGATAGAGGTTGAGTTGGACAGGGAGGAAGAACCGACAGAACCCATCATAGAGGTTCCC-3'
Protein context (NP_067047.4, residues 722-742): DDEEEEEDNE[Val732=]EIEVELDREE